The following is an entry in ClinVar:

NM_006297.3(XRCC1):c.851C>T (p.Thr284Ile)

Gene: XRCC1 (X-ray repair cross complementing 1; minus strand). Cytogenetic location: 19q13.31.
Variant type: single nucleotide variant.
Coding change: c.851C>T on transcript NM_006297.3 (MANE Select); coding-DNA position 851, C replaced by T.
Protein change: p.Thr284Ile; replaces threonine 284 with isoleucine.
Molecular consequence: missense variant.
Genome position (GRCh38, 1-based): chr19:43,552,248, G>A on the plus strand (C>T on the coding strand, the complement: XRCC1 is on the minus strand). VCF-style: chr19-43552248-G-A. GRCh37 (hg19) VCF-style: chr19-44056400-G-A.
Other names: short protein forms T284I.
Identifiers: ClinVar variation 708626 (VCV000708626.43), dbSNP rs146168662, ClinGen allele CA9488644.

ClinVar aggregate classification (germline): Benign/Likely benign. Review status: criteria provided, multiple submitters, no conflicts (2 of 4 stars). 4 submissions from 4 submitters: Benign (1); Likely benign (3). Last evaluated 2026-08-01.

Allele frequency attached by ClinVar (database versions not stated): 1000 Genomes Project 0.00080; 1000 Genomes Project 30x 0.00094; gnomAD 0.00188 and 0.00190; TOPMed 0.00210; gnomAD exomes 0.00217 and 0.00229; ExAC 0.00224; ESP Exome Variant Server 0.00254.
gnomAD v4.1: 3,683 of 1,610,874 alleles (0.23%); highest among the groups gnomAD compares: Non-Finnish European, 0.23%; 13 homozygotes.

Submissions (4):

CeGaT Center for Human Genetics Tuebingen
Classification: Likely benign. Last evaluated: 2026-08-01. Review status: criteria provided, single submitter. Criteria: CeGaT Center For Human Genetics Tuebingen Variant Classification Criteria Version 2. Collection method: clinical testing. Allele origin: germline. Affected: yes. Observed: 7 variant alleles.
Comment: XRCC1: BP4, BS2

Blueprint Genetics
Classification: Likely benign. Last evaluated: 2024-10-24. Review status: criteria provided, single submitter. Criteria: ACMG Guidelines, 2015. Collection method: clinical testing. Allele origin: germline.

Labcorp Genetics (formerly Invitae), Labcorp
Classification: Benign. Last evaluated: 2019-12-31. Review status: criteria provided, single submitter. Criteria: Invitae Variant Classification Sherloc (09022015). Collection method: clinical testing. Allele origin: germline.

Breakthrough Genomics
Classification: Likely benign. Review status: criteria provided, single submitter. Criteria: ACMG Guidelines, 2015. Collection method: not provided. Allele origin: germline. Inheritance: Autosomal recessive inheritance. Affected: yes.